The following is an entry in ClinVar:

ClinVar aggregate classification (germline): Uncertain significance (1 of 4 stars; one submission).

Conditions:
Cardiomyopathy (CMYO). Also called: Cardiomyopathies. Identifiers: Orphanet 167848, MedGen C0878544, MONDO:0004994, HP:0001638. Inheritance: Various modes of inheritance.

gnomAD v4.1: 2 of 1,614,258 alleles (0.00012%); highest among the groups gnomAD compares: Non-Finnish European, 0.000085%; no homozygotes.

Submission:

Color Diagnostics, LLC DBA Color Health
Classification: Uncertain significance for Cardiomyopathy. Last evaluated: 2023-12-05. Review status: criteria provided, single submitter. Criteria: ACMG Guidelines, 2015. Collection method: clinical testing. Allele origin: germline.
Comment: Variant of Uncertain Significance due to insufficient evidence: This missense variant is located in the head domain of the PKP2 protein. Computational prediction tools and conservation analyses suggest that this variant may not impact the protein function. Computational splicing tools suggest that this variant may not impact RNA splicing. To our knowledge, functional assays have not been performed for this variant nor has this variant been reported in individuals affected with cardiovascular disorders in the literature. This variant is rare in the general population and has been identified in 0/277264 chromosomes by the Genome Aggregation Database (gnomAD). Available evidence is insufficient to determine the pathogenicity of this variant conclusively.

NM_001005242.3(PKP2):c.754A>G (p.Met252Val)

Gene: PKP2 (plakophilin 2; minus strand). Cytogenetic location: 12p11.21.
Variant type: single nucleotide variant.
Coding change: c.754A>G on transcript NM_001005242.3 (MANE Select); coding-DNA position 754, A replaced by G.
Protein change: p.Met252Val; replaces methionine 252 with valine.
Molecular consequence: missense variant.
Genome position (GRCh38, 1-based): chr12:32,878,126, T>C on the plus strand (A>G on the coding strand, the complement: PKP2 is on the minus strand). VCF-style: chr12-32878126-T-C. GRCh37 (hg19) VCF-style: chr12-33031060-T-C.
Other names: c.754A>G, p.Met252Val (NM_004572.4); short protein forms M252V.
Identifiers: ClinVar variation 921763 (VCV000921763.5), dbSNP rs1956951277, ClinGen allele CA384362749.